The following is an entry in ClinVar:

ClinVar aggregate classification (germline): Uncertain significance (1 of 4 stars; one submission).

Conditions:
MHC class I deficiency. Identifiers: Orphanet 34592, MedGen C6024714, MONDO:0011476.

Allele frequency attached by ClinVar (database versions not stated): gnomAD exomes 0.00001 and 0.00004; gnomAD 0.00002 and 0.00001; TOPMed 0.00003; 1000 Genomes Project 0.00020; ExAC 0.00004; 1000 Genomes Project 30x 0.00016.
gnomAD v4.1: 16 of 1,613,212 alleles (0.00099%); highest among the groups gnomAD compares: East Asian, 0.033%; no homozygotes.

Submission:

Labcorp Genetics (formerly Invitae), Labcorp
Classification: Uncertain significance for MHC class I deficiency 1. Last evaluated: 2023-08-16. Review status: criteria provided, single submitter. Criteria: Invitae Variant Classification Sherloc (09022015). Collection method: clinical testing. Allele origin: germline.
Comment: ClinVar contains an entry for this variant (Variation ID: 1045689). This variant has not been reported in the literature in individuals affected with TAPBP-related conditions. This variant is present in population databases (rs188271218, gnomAD 0.05%). This sequence change falls in intron 5 of the TAPBP gene. It does not directly change the encoded amino acid sequence of the TAPBP protein. Algorithms developed to predict the effect of sequence changes on RNA splicing suggest that this variant may disrupt the consensus splice site. In summary, the available evidence is currently insufficient to determine the role of this variant in disease. Therefore, it has been classified as a Variant of Uncertain Significance.

NM_003190.5(TAPBP):c.1211-6T>A

Gene: TAPBP (TAP binding protein; minus strand). Cytogenetic location: 6p21.32.
Variant type: single nucleotide variant.
Coding change: c.1211-6T>A on transcript NM_003190.5 (MANE Select); 6 bases into the intron before coding-DNA position 1211, T replaced by A.
Molecular consequence: intron variant.
Genome position (GRCh38, 1-based): chr6:33,304,223, A>T on the plus strand (T>A on the coding strand, the complement: TAPBP is on the minus strand). VCF-style: chr6-33304223-A-T. GRCh37 (hg19) VCF-style: chr6-33272000-A-T.
Other names: c.950-6T>A (NM_172209.3); c.1211-6T>A (NM_172208.3).
Identifiers: ClinVar variation 1045689 (VCV001045689.9), dbSNP rs188271218, ClinGen allele CA3755685.